The following is an entry in ClinVar:

ClinVar aggregate classification (germline): Uncertain significance. Review status: criteria provided, multiple submitters, no conflicts (2 of 4 stars). 2 submissions from 2 submitters: Uncertain significance (2). Last evaluated 2024-10-26.

Allele frequency attached by ClinVar (database versions not stated): TOPMed 0.00001; gnomAD 0.00002.

Submissions (2):

Labcorp Genetics (formerly Invitae), Labcorp
Classification: Uncertain significance. Last evaluated: 2024-10-26. Review status: criteria provided, single submitter. Criteria: Invitae Variant Classification Sherloc (09022015). Collection method: clinical testing. Allele origin: germline.
Comment: This sequence change replaces methionine, which is neutral and non-polar, with valine, which is neutral and non-polar, at codon 1161 of the EGF protein (p.Met1161Val). This variant is present in population databases (no rsID available, gnomAD 0.007%). This variant has not been reported in the literature in individuals affected with EGF-related conditions. ClinVar contains an entry for this variant (Variation ID: 1470686). An algorithm developed to predict the effect of missense changes on protein structure and function outputs the following: PolyPhen-2: "Benign". The valine amino acid residue is found in multiple mammalian species, which suggests that this missense change does not adversely affect protein function. In summary, the available evidence is currently insufficient to determine the role of this variant in disease. Therefore, it has been classified as a Variant of Uncertain Significance.

Ambry Genetics
Classification: Uncertain significance. Last evaluated: 2024-06-07. Review status: criteria provided, single submitter. Criteria: Ambry Variant Classification Scheme 2023. Collection method: clinical testing. Allele origin: germline.

NM_001963.6(EGF):c.3481A>G (p.Met1161Val)

Gene: EGF (epidermal growth factor; plus strand). Cytogenetic location: 4q25.
Variant type: single nucleotide variant.
Coding change: c.3481A>G on transcript NM_001963.6 (MANE Select); coding-DNA position 3481, A replaced by G.
Protein change: p.Met1161Val; replaces methionine 1161 with valine.
Molecular consequence: missense variant. On other transcripts: synonymous variant (1).
Genome position (GRCh38, 1-based): chr4:110,011,312, A>G. VCF-style: chr4-110011312-A-G. GRCh37 (hg19) VCF-style: chr4-110932468-A-G.
Other names: c.3358A>G, p.Met1120Val (NM_001178130.3); c.3355A>G, p.Met1119Val (NM_001178131.3); c.3033A>G, p.Ter1011= (NM_001357021.2); c.3481A>G (NM_001963.4); short protein forms M1119V, M1120V, M1161V.
Identifiers: ClinVar variation 1470686 (VCV001470686.7), dbSNP rs1328300146, ClinGen allele CA357875662.